The following is an entry in ClinVar:

ClinVar aggregate classification (germline): Uncertain significance (1 of 4 stars; one submission).

Conditions:
Neutrophil immunodeficiency syndrome. Also called: Immunodeficiency 73A with defective neutrophil chemotaxis and leukocytosis. Identifiers: Orphanet 183707, MedGen C1842398, MONDO:0011988, OMIM 608203.

Allele frequency attached by ClinVar (database versions not stated): TOPMed below 0.00001.

Submission:

Labcorp Genetics (formerly Invitae), Labcorp
Classification: Uncertain significance for Neutrophil immunodeficiency syndrome. Last evaluated: 2024-12-23. Review status: criteria provided, single submitter. Criteria: Invitae Variant Classification Sherloc (09022015). Collection method: clinical testing. Allele origin: germline.
Comment: This sequence change replaces aspartic acid, which is acidic and polar, with valine, which is neutral and non-polar, at codon 11 of the RAC2 protein (p.Asp11Val). This variant is not present in population databases (gnomAD no frequency). This variant has not been reported in the literature in individuals affected with RAC2-related conditions. ClinVar contains an entry for this variant (Variation ID: 657624). Invitae Evidence Modeling of protein sequence and biophysical properties (such as structural, functional, and spatial information, amino acid conservation, physicochemical variation, residue mobility, and thermodynamic stability) indicates that this missense variant is expected to disrupt RAC2 protein function with a positive predictive value of 95%. In summary, the available evidence is currently insufficient to determine the role of this variant in disease. Therefore, it has been classified as a Variant of Uncertain Significance.

NM_002872.5(RAC2):c.32A>T (p.Asp11Val)

Genes: RAC2 (Rac family small GTPase 2; minus strand), LOC130067357 (ATAC-STARR-seq lymphoblastoid active region 18957; plus strand). Cytogenetic location: 22q13.1.
Variant type: single nucleotide variant.
Coding change: c.32A>T on transcript NM_002872.5 (MANE Select); coding-DNA position 32, A replaced by T.
Protein change: p.Asp11Val; replaces aspartic acid 11 with valine.
Molecular consequence: missense variant.
Genome position (GRCh38, 1-based): chr22:37,244,117, T>A on the plus strand (A>T on the coding strand, the complement: RAC2 is on the minus strand). VCF-style: chr22-37244117-T-A. GRCh37 (hg19) VCF-style: chr22-37640157-T-A.
Other names: short protein forms D11V.
Identifiers: ClinVar variation 657624 (VCV000657624.9), dbSNP rs1445302825, ClinGen allele CA411444101.